The following is an entry in ClinVar:

NM_004928.3(CFAP410):c.107G>A (p.Cys36Tyr)

Gene: CFAP410 (cilia and flagella associated protein 410; minus strand). Cytogenetic location: 21q22.3.
Variant type: single nucleotide variant.
Coding change: c.107G>A on transcript NM_004928.3 (MANE Select); coding-DNA position 107, G replaced by A.
Protein change: p.Cys36Tyr; replaces cysteine 36 with tyrosine.
Molecular consequence: missense variant. On other transcripts: 5 prime UTR variant (1).
Genome position (GRCh38, 1-based): chr21:44,335,794, C>T on the plus strand (G>A on the coding strand, the complement: CFAP410 is on the minus strand). VCF-style: chr21-44335794-C-T. GRCh37 (hg19) VCF-style: chr21-45755677-C-T.
Other names: c.107G>A, p.Cys36Tyr (NM_001271440.2, NM_001271441.2); c.-8G>A (NM_001271442.1); short protein forms C36Y.
Identifiers: ClinVar variation 961951 (VCV000961951.9), dbSNP rs909781389, ClinGen allele CA410458956.

ClinVar aggregate classification (germline): Uncertain significance (1 of 4 stars; one submission).

Allele frequency attached by ClinVar (database versions not stated): gnomAD exomes below 0.00001; TOPMed below 0.00001; gnomAD 0.00001.
gnomAD v4.1: 2 of 1,590,858 alleles (0.00013%); highest among the groups gnomAD compares: Admixed American, 0.0035%; no homozygotes.

Submission:

Labcorp Genetics (formerly Invitae), Labcorp
Classification: Uncertain significance. Last evaluated: 2022-08-16. Review status: criteria provided, single submitter. Criteria: Invitae Variant Classification Sherloc (09022015). Collection method: clinical testing. Allele origin: germline.
Comment: ClinVar contains an entry for this variant (Variation ID: 961951). In summary, the available evidence is currently insufficient to determine the role of this variant in disease. Therefore, it has been classified as a Variant of Uncertain Significance. Algorithms developed to predict the effect of missense changes on protein structure and function are either unavailable or do not agree on the potential impact of this missense change (SIFT: "Tolerated"; PolyPhen-2: "Possibly Damaging"; Align-GVGD: "Class C0"). This missense change has been observed in individual(s) with retinitis pigmentosa (Invitae). This variant is not present in population databases (gnomAD no frequency). This sequence change replaces cysteine, which is neutral and slightly polar, with tyrosine, which is neutral and polar, at codon 36 of the CFAP410 protein (p.Cys36Tyr).